The following is an entry in ClinVar:

ClinVar aggregate classification (germline): Uncertain significance (1 of 4 stars; one submission).

Conditions:
Werner syndrome (WRN). Identifiers: Orphanet 902, MedGen C0043119, MONDO:0010196, OMIM 277700.

Submission:

Labcorp Genetics (formerly Invitae), Labcorp
Classification: Uncertain significance for Werner syndrome. Last evaluated: 2021-08-06. Review status: criteria provided, single submitter. Criteria: Invitae Variant Classification Sherloc (09022015). Collection method: clinical testing. Allele origin: germline.
Comment: This sequence change replaces cysteine with phenylalanine at codon 939 of the WRN protein (p.Cys939Phe). The cysteine residue is highly conserved and there is a large physicochemical difference between cysteine and phenylalanine. This variant is not present in population databases (ExAC no frequency). This variant has not been reported in the literature in individuals affected with WRN-related conditions. Algorithms developed to predict the effect of missense changes on protein structure and function are either unavailable or do not agree on the potential impact of this missense change (SIFT: "Not Available"; PolyPhen-2: "Probably Damaging"; Align-GVGD: "Not Available"). In summary, the available evidence is currently insufficient to determine the role of this variant in disease. Therefore, it has been classified as a Variant of Uncertain Significance.

NM_000553.6(WRN):c.2816G>T (p.Cys939Phe)

Gene: WRN (WRN RecQ like helicase; plus strand). Cytogenetic location: 8p12.
Variant type: single nucleotide variant.
Coding change: c.2816G>T on transcript NM_000553.6 (MANE Select); coding-DNA position 2816, G replaced by T.
Protein change: p.Cys939Phe; replaces cysteine 939 with phenylalanine.
Molecular consequence: missense variant.
Genome position (GRCh38, 1-based): chr8:31,124,991, G>T. VCF-style: chr8-31124991-G-T. GRCh37 (hg19) VCF-style: chr8-30982507-G-T.
Other names: short protein forms C939F.
Identifiers: ClinVar variation 1470905 (VCV001470905.6), dbSNP rs2130344789, ClinGen allele CA370917863.